The following is an entry in ClinVar:

ClinVar aggregate classification (germline): Pathogenic. Review status: criteria provided, multiple submitters, no conflicts (2 of 4 stars). 3 submissions from 3 submitters: Pathogenic (3). Last evaluated 2023-09-14.

Conditions:
Microcephaly 5, primary, autosomal recessive (MCPH5). Also called: ASPM Primary Microcephaly. Identifiers: Orphanet 2512, MedGen C1837501, MONDO:0012106, OMIM 608716.

Allele frequency attached by ClinVar (database versions not stated): gnomAD exomes below 0.00001; TOPMed below 0.00001.

Submissions (3):

Labcorp Genetics (formerly Invitae), Labcorp
Classification: Pathogenic. Last evaluated: 2023-09-14. Review status: criteria provided, single submitter. Criteria: Invitae Variant Classification Sherloc (09022015). Collection method: clinical testing. Allele origin: germline.
Comment: For these reasons, this variant has been classified as Pathogenic. ClinVar contains an entry for this variant (Variation ID: 157829). This premature translational stop signal has been observed in individual(s) with clinical features of ASPM-related conditions (PMID: 23611254). This variant is not present in population databases (gnomAD no frequency). This sequence change creates a premature translational stop signal (p.Cys1732*) in the ASPM gene. It is expected to result in an absent or disrupted protein product. Loss-of-function variants in ASPM are known to be pathogenic (PMID: 19028728, 23611254).

Genome-Nilou Lab
Classification: Pathogenic for Microcephaly 5, primary, autosomal recessive. Last evaluated: 2023-04-11. Review status: criteria provided, single submitter. Criteria: ACMG Guidelines, 2015. Collection method: clinical testing. Allele origin: germline. Affected: no.

Genetic Services Laboratory, University of Chicago
Classification: Pathogenic for Microcephaly 5, primary, autosomal recessive. Last evaluated: 2013-02-08. Review status: criteria provided, single submitter. Criteria: ACMG Guidelines, 2007. Collection method: clinical testing. Allele origin: germline. Inheritance: Autosomal recessive inheritance. Affected: yes.

Literature cited by the submitters: PubMed 23611254 (cited by Labcorp Genetics (formerly Invitae), Labcorp); PubMed 19028728 (cited by Labcorp Genetics (formerly Invitae), Labcorp).

NM_018136.5(ASPM):c.5196T>A (p.Cys1732Ter)

Gene: ASPM (assembly factor for spindle microtubules; minus strand). Cytogenetic location: 1q31.3.
Variant type: single nucleotide variant.
Coding change: c.5196T>A on transcript NM_018136.5 (MANE Select); coding-DNA position 5196, T replaced by A.
Protein change: p.Cys1732Ter; replaces cysteine 1732 with a stop codon.
Molecular consequence: nonsense. On other transcripts: intron variant (1).
Genome position (GRCh38, 1-based): chr1:197,104,055, A>T on the plus strand (T>A on the coding strand, the complement: ASPM is on the minus strand). VCF-style: chr1-197104055-A-T. GRCh37 (hg19) VCF-style: chr1-197073185-A-T.
Other names: c.4066-7891T>A (NM_001206846.2); short protein forms C1732*.
Identifiers: ClinVar variation 157829 (VCV000157829.14), dbSNP rs587783247, ClinGen allele CA271051.
Genomic context (GRCh38, chr1:197,104,055, plus strand): 5'-TCTTTGTAACCTCATCTGCTTTCGGACAAGGTATCCTCTAACAAATGCTTGCAGTTTGAT[A>T]CAAGATTCCCGCATCTGCATATACTCTTCTCTCTTTTGTGCAGCTATTTTTTTGGAACGG-3'